The following is an entry in ClinVar:

ClinVar aggregate classification (germline): Pathogenic/Likely pathogenic. Review status: criteria provided, multiple submitters, no conflicts (2 of 4 stars). 16 submissions from 16 submitters: Pathogenic (10); Likely pathogenic (4). 2 of the submissions do not count toward it. Last evaluated 2025-12-10.

Conditions:
ATP7B-related disorder. Also called: ATP7B-related condition.
Wilson disease (WND). Also called: Wilson's disease. Identifiers: Orphanet 905, MedGen C0019202, MONDO:0010200, OMIM 277900. Disease mechanism: loss of function.

Allele frequency attached by ClinVar (database versions not stated): gnomAD 0.00002 and 0.00003; ExAC 0.00009; TOPMed 0.00002; ESP Exome Variant Server 0.00008; gnomAD exomes 0.00004 and 0.00006.
gnomAD v4.1: 54 of 1,585,058 alleles (0.0034%); highest among the groups gnomAD compares: South Asian, 0.013%; no homozygotes.

Submissions 1 to 7 of 16:

Labcorp Genetics (formerly Invitae), Labcorp
Classification: Pathogenic for Wilson disease. Last evaluated: 2025-12-10. Review status: criteria provided, single submitter. Criteria: Invitae Variant Classification Sherloc (09022015). Collection method: clinical testing. Allele origin: germline.
Comment: This sequence change replaces alanine, which is neutral and non-polar, with valine, which is neutral and non-polar, at codon 1018 of the ATP7B protein (p.Ala1018Val). This variant is present in population databases (rs371840514, gnomAD 0.01%). This missense change has been observed in individual(s) with Wilson disease (PMID: 17154398, 30884209, 31059521; internal data). In at least one individual the data is consistent with being in trans (on the opposite chromosome) from a pathogenic variant. ClinVar contains an entry for this variant (Variation ID: 188722). Invitae Evidence Modeling of protein sequence and biophysical properties (such as structural, functional, and spatial information, amino acid conservation, physicochemical variation, residue mobility, and thermodynamic stability) indicates that this missense variant is not expected to disrupt ATP7B protein function with a negative predictive value of 80%. For these reasons, this variant has been classified as Pathogenic.

Natera, Inc.
Classification: Pathogenic for Wilson disease. Last evaluated: 2025-11-11. Review status: criteria provided, single submitter. Criteria: Natera Variant Classification Schema (03/2026). Collection method: clinical testing. Allele origin: germline.
Comment: The c.3053C>T variant in ATP7B is a missense variant predicted to cause substitution of alanine to valine at amino acid 1018. This variant is rare in the general population with a frequency below the threshold expected for the associated phenotype(s). This variant has been observed in one or more individuals affected with the associated recessive disease, as either homozygous or compound heterozygous with a second variant (PMID: 35220961, 31059521). Computational prediction algorithms indicate this variant is likely to affect gene or protein function. Given the available evidence, this variant is classified as Pathogenic.

CeGaT Center for Human Genetics Tuebingen
Classification: Pathogenic. Last evaluated: 2024-12-01. Review status: criteria provided, single submitter. Criteria: CeGaT Center For Human Genetics Tuebingen Variant Classification Criteria Version 2. Collection method: clinical testing. Allele origin: germline. Affected: yes. Observed: 1 variant allele.
Comment: ATP7B: PM3:Very Strong, PM2, PM5, PP3

PreventionGenetics, part of Exact Sciences
Classification: Likely pathogenic for ATP7B-related condition. Last evaluated: 2024-11-06. Review status: criteria provided, single submitter. Criteria: ACMG Guidelines, 2015. Collection method: clinical testing. Allele origin: germline.
Comment: The ATP7B c.3053C>T variant is predicted to result in the amino acid substitution p.Ala1018Val. This variant has been reported in several individuals with Wilson disease, though clinical and variant phase data was not well documented in some of these individuals (Loudianos et al. 1998. PubMed ID: 9671269; Table S2, Schushan et al. 2012. PubMed ID: 22692182; Couchonnal et al. 2021. PubMed ID: 34400371; Table S4, Zhang et al. 2022. PubMed ID: 35220961; Mak et al. 2007. PubMed ID: 18034201; Petrasek et al. 2007. PubMed ID: 17154398; Singh et al. 2019. PubMed ID: 31059521; Dong et al. 2016. PubMed ID: 27022412). However, in at least 2 individuals, clinical, laboratory and histological findings were consistent with Wilson disease; including one individual diagnosed with later onset Wilson disease who was homozygous for the variant (Stalke et al. 2023. PubMed ID: 37157876, Annamalai et al. 2022. PubMed ID: 35580721). In vitro functional studies demonstrate this variant leads to a non statistically significant reduction in protein levels and reduced copper export capacity, but in similar range to a well established pathogenic missense variant (Stalke et al. 2023. PubMed ID: 37157876). This variant is reported in 0.011% of alleles in individuals of South Asian descent in gnomAD. We classify this variant as likely pathogenic.

All of Us Research Program, National Institutes of Health
Classification: Pathogenic for Wilson disease. Last evaluated: 2024-08-05. Review status: criteria provided, single submitter. Criteria: ACMG Guidelines, 2015. Collection method: clinical testing. Allele origin: germline. Inheritance: Autosomal recessive inheritance. Observed: 11 variant alleles, 11 heterozygotes.
Comment: This missense variant replaces alanine with valine at codon 1018 in the P domain of the ATP7B protein (a.a. 1004 - 1031), a highly conserved region that is considered to be important for ATP7B protein function (PMID: 35245129; ClinVar). Computational prediction suggests that this variant may have deleterious impact on protein structure and function. Functional studies have reported that this variant resulted in reduced protein levels and decreased copper export capacity (PMID: 37157876). This variant has been observed in many individuals affected with autosomal recessive Wilson disease, with some cases confirmed in the compound heterozygous state (PMID: 9671269, 10502776, 15967699, 17154398, 17949296, 18034201, 22677543, 24146181, 24718822, 27022412, 30884209, 31059521, 33640437, 34400371, 35535059; ClinVar SCV000948175.5), indicating that this variant contributes to disease. This variant has been identified in 12/205324 chromosomes in the general population by the Genome Aggregation Database (gnomAD). Based on the available evidence, this variant is classified as Pathogenic.

This study involves interpretation of variants in research participants for the purpose of population health screening. Participant phenotype was not available at the time of variant classification. Additional details can be found in publication PMID: 35346344, PMCID: PMC8962531

Color Diagnostics, LLC DBA Color Health
Classification: Pathogenic for Wilson disease. Last evaluated: 2024-07-17. Review status: criteria provided, single submitter. Criteria: ACMG Guidelines, 2015. Collection method: clinical testing. Allele origin: germline.
Comment: This missense variant replaces alanine with valine at codon 1018 in the P domain of the ATP7B protein (a.a. 1004 - 1031), a highly conserved region that is considered to be important for ATP7B protein function (PMID: 35245129; ClinVar). Computational prediction suggests that this variant may have deleterious impact on protein structure and function. Functional studies have reported that this variant resulted in reduced protein levels and decreased copper export capacity (PMID: 37157876). This variant has been observed in many individuals affected with autosomal recessive Wilson disease, with some cases confirmed in the compound heterozygous state (PMID: 9671269, 10502776, 15967699, 17154398, 17949296, 18034201, 22677543, 24146181, 24718822, 27022412, 30884209, 31059521, 33640437, 34400371, 35535059; ClinVar SCV000948175.5), indicating that this variant contributes to disease. This variant has been identified in 12/205324 chromosomes in the general population by the Genome Aggregation Database (gnomAD). Based on the available evidence, this variant is classified as Pathogenic.

ARUP Laboratories, Molecular Genetics and Genomics, ARUP Laboratories
Classification: Pathogenic for Wilson disease. Last evaluated: 2024-06-18. Review status: criteria provided, single submitter. Criteria: ARUP Molecular Germline Variant Investigation Process 2024. Collection method: clinical testing. Allele origin: germline.
Comment: The ATP7B c.3053C>T; p.Ala1018Val variant (rs371840514) is reported in the literature in several individuals affected with Wilson disease, including in the compound heterozygous state with other pathogenic ATP7B variants (Lepori 2007, Loudianos 1998, Mak 2008, Petrasek 2007, Qian 2019, Singh 2019, Vrabelova 2005, Zappu 2008). This variant is also reported in ClinVar (Variation ID: 188722), and is found in the general population with an overall allele frequency of 0.0058% (12/205324 alleles) in the Genome Aggregation Database. The alanine at codon 1018 is moderately conserved, and computational analyses predict that this variant is deleterious (REVEL: 0.890). Based on available information, this variant is considered to be pathogenic. References: Lepori MB et al. Twenty-four novel mutations in Wilson disease patients of predominantly Italian origin. Genet Test. 2007 Fall;11(3):328-32. PMID: 17949296. Loudianos G et al. Further delineation of the molecular pathology of Wilson disease in the Mediterranean population. Hum Mutat. 1998;12(2):89-94. PMID: 9671269. Mak CM et al. Mutational analysis of 65 Wilson disease patients in Hong Kong Chinese: identification of 17 novel mutations and its genetic heterogeneity. J Hum Genet. 2008;53(1):55-63. PMID: 18034201. Petrasek J et al. Revised King's College score for liver transplantation in adult patients with Wilson's disease. Liver Transpl. 2007 Jan;13(1):55-61. PMID: 17154398. Qian Z et al. Novel mutations found in the ATP7B gene in Chinese patients with Wilson's disease. Mol Genet Genomic Med. 2019 May;7(5):e649. PMID: 30884209. Singh N et al. Genetic analysis of ATP7B in 102 south Indian families with Wilson disease. PLoS One. 2019 May 6;14(5):e0215779. PMID: 31059521. Vrabelova S et al. Mutation analysis of the ATP7B gene and genotype/phenotype correlation in 227 patients with Wilson disease. Mol Genet Metab. 2005 Sep-Oct;86(1-2):277-85. PMID: 15967699. Zappu A et al. High incidence and allelic homogeneity of Wilson disease in 2 isolated populations: a prerequisite for efficient disease prevention programs. J Pediatr Gastroenterol Nutr. 2008 Sep;47(3):334-8. PMID: 18728530.

NM_000053.4(ATP7B):c.3053C>T (p.Ala1018Val)

Gene: ATP7B (ATPase copper transporting beta; minus strand). Cytogenetic location: 13q14.3.
Variant type: single nucleotide variant.
Coding change: c.3053C>T on transcript NM_000053.4 (MANE Select); coding-DNA position 3053, C replaced by T.
Protein change: p.Ala1018Val; replaces alanine 1018 with valine.
Molecular consequence: missense variant.
Genome position (GRCh38, 1-based): chr13:51,946,291, G>A on the plus strand (C>T on the coding strand, the complement: ATP7B is on the minus strand). VCF-style: chr13-51946291-G-A. GRCh37 (hg19) VCF-style: chr13-52520427-G-A.
Other names: p.(Ala1018Val); c.2432C>T, p.Ala811Val (NM_001005918.3); c.2720C>T, p.Ala907Val (NM_001243182.2); c.2819C>T, p.Ala940Val (NM_001330578.2); c.2801C>T, p.Ala934Val (NM_001330579.2); short protein forms A1018V, A811V, A907V, A934V, A940V.
Identifiers: ClinVar variation 188722 (VCV000188722.46), dbSNP rs371840514, ClinGen allele CA273886.